The following is an entry in ClinVar:

NM_004369.4(COL6A3):c.6127C>T (p.Arg2043Cys)

Gene: COL6A3 (collagen type VI alpha 3 chain; minus strand). Cytogenetic location: 2q37.3.
Variant type: single nucleotide variant.
Coding change: c.6127C>T on transcript NM_004369.4 (MANE Select); coding-DNA position 6127, C replaced by T.
Protein change: p.Arg2043Cys; replaces arginine 2043 with cysteine.
Molecular consequence: missense variant.
Genome position (GRCh38, 1-based): chr2:237,361,768, G>A on the plus strand (C>T on the coding strand, the complement: COL6A3 is on the minus strand). VCF-style: chr2-237361768-G-A. GRCh37 (hg19) VCF-style: chr2-238270411-G-A.
Other names: c.4306C>T, p.Arg1436Cys (NM_057166.5); c.5509C>T, p.Arg1837Cys (NM_057167.4); c.6127C>T (NM_004369.3); short protein forms R1436C, R1837C, R2043C.
Identifiers: ClinVar variation 984795 (VCV000984795.8), dbSNP rs1001689383, ClinGen allele CA67855749.

ClinVar aggregate classification (germline): Uncertain significance. Review status: criteria provided, multiple submitters, no conflicts (2 of 4 stars). 3 submissions from 3 submitters: Uncertain significance (2). 1 of the submissions does not count toward it. Last evaluated 2026-01-07.

Conditions:
Inborn genetic diseases. Identifiers: MedGen C0950123, MeSH D030342.
Myopathy. Identifiers: MedGen C0026848, MeSH D009135, MONDO:0005336, HP:0003198.
Bethlem myopathy 1A. Also called: Bethlem Muscular Dystrophy; Bethlem myopathy 1; MYOPATHY, BENIGN CONGENITAL, WITH CONTRACTURES. Identifiers: Orphanet 610, MedGen CN029274, MONDO:0024530, OMIM 158810.

Allele frequency attached by ClinVar (database versions not stated): gnomAD 0.00001; TOPMed 0.00001.
gnomAD v4.1: 13 of 1,613,994 alleles (0.00081%); highest among the groups gnomAD compares: East Asian, 0.0022%; no homozygotes.

Submissions (3):

Labcorp Genetics (formerly Invitae), Labcorp
Classification: Uncertain significance for Bethlem myopathy 1A. Last evaluated: 2026-01-07. Review status: criteria provided, single submitter. Criteria: Invitae Variant Classification Sherloc (09022015). Collection method: clinical testing. Allele origin: germline.
Comment: This sequence change replaces arginine, which is basic and polar, with cysteine, which is neutral and slightly polar, at codon 2043 of the COL6A3 protein (p.Arg2043Cys). This variant is not present in population databases (gnomAD no frequency). This variant has not been reported in the literature in individuals affected with COL6A3-related conditions. ClinVar contains an entry for this variant (Variation ID: 984795). Invitae Evidence Modeling of protein sequence and biophysical properties (such as structural, functional, and spatial information, amino acid conservation, physicochemical variation, residue mobility, and thermodynamic stability) indicates that this missense variant is expected to disrupt COL6A3 protein function with a positive predictive value of 80%. In summary, the available evidence is currently insufficient to determine the role of this variant in disease. Therefore, it has been classified as a Variant of Uncertain Significance.

Ambry Genetics
Classification: Uncertain significance for Inborn genetic diseases. Last evaluated: 2024-01-03. Review status: criteria provided, single submitter. Criteria: Ambry Variant Classification Scheme 2023. Collection method: clinical testing. Allele origin: germline.

Institute of Human Genetics, University of Wuerzburg
Classification: Uncertain significance for Myopathy. Review status: no assertion criteria provided. Collection method: clinical testing. Allele origin: unknown. Not counted in ClinVar's aggregate classification.